The following is an entry in ClinVar:

ClinVar aggregate classification (germline): Uncertain significance. Review status: criteria provided, multiple submitters, no conflicts (2 of 4 stars). 2 submissions from 2 submitters: Uncertain significance (2). Last evaluated 2025-09-26.

Conditions:
Inborn genetic diseases. Identifiers: MedGen C0950123, MeSH D030342.

Allele frequency attached by ClinVar (database versions not stated): ExAC 0.00002; gnomAD 0.00002; TOPMed 0.00002.
gnomAD v4.1: 46 of 1,603,276 alleles (0.0029%); highest among the groups gnomAD compares: East Asian, 0.0045%; no homozygotes.

Submissions (2):

Ambry Genetics
Classification: Uncertain significance for Inborn genetic diseases. Last evaluated: 2025-09-26. Review status: criteria provided, single submitter. Criteria: Ambry Variant Classification Scheme 2023. Collection method: clinical testing. Allele origin: germline.

Labcorp Genetics (formerly Invitae), Labcorp
Classification: Uncertain significance. Last evaluated: 2023-07-11. Review status: criteria provided, single submitter. Criteria: Invitae Variant Classification Sherloc (09022015). Collection method: clinical testing. Allele origin: germline.
Comment: Advanced modeling of protein sequence and biophysical properties (such as structural, functional, and spatial information, amino acid conservation, physicochemical variation, residue mobility, and thermodynamic stability) performed at Invitae indicates that this missense variant is not expected to disrupt SPTBN2 protein function. In summary, the available evidence is currently insufficient to determine the role of this variant in disease. Therefore, it has been classified as a Variant of Uncertain Significance. This variant has not been reported in the literature in individuals affected with SPTBN2-related conditions. This variant is present in population databases (rs772260509, gnomAD 0.005%). This sequence change replaces arginine, which is basic and polar, with tryptophan, which is neutral and slightly polar, at codon 1123 of the SPTBN2 protein (p.Arg1123Trp).

NM_006946.4(SPTBN2):c.3367C>T (p.Arg1123Trp)

Gene: SPTBN2 (spectrin beta, non-erythrocytic 2; minus strand). Cytogenetic location: 11q13.2.
Variant type: single nucleotide variant.
Coding change: c.3367C>T on transcript NM_006946.4 (MANE Select); coding-DNA position 3367, C replaced by T.
Protein change: p.Arg1123Trp; replaces arginine 1123 with tryptophan.
Molecular consequence: missense variant.
Genome position (GRCh38, 1-based): chr11:66,700,732, G>A on the plus strand (C>T on the coding strand, the complement: SPTBN2 is on the minus strand). VCF-style: chr11-66700732-G-A. GRCh37 (hg19) VCF-style: chr11-66468203-G-A.
Other names: c.3388C>T, p.Arg1130Trp (NM_001411025.1); c.3367C>T (NM_006946.2); short protein forms R1123W, R1130W.
Identifiers: ClinVar variation 2729806 (VCV002729806.4), dbSNP rs772260509, ClinGen allele CA6128882.
Genomic context (GRCh38, chr11:66,700,732, plus strand): 5'-GGAAGAGGCACTGGGGGTCAGCCTGGTCCCGGGTCACCTCCTCGCCCAGGGCTCGCAGCC[G>A]GCTATACTCGCTCTGGGCCCGCTCCACCTCTCCCCGCAGGGCTGCATGTTGGGCCAGGAG-3'
Protein context (NP_008877.2, residues 1113-1133): EVERAQSEYS[Arg1123Trp]LRALGEEVTR